The following is an entry in ClinVar:

NM_205836.3(FBXO38):c.3490G>A (p.Val1164Ile)

Gene: FBXO38 (F-box protein 38; plus strand). Cytogenetic location: 5q32.
Variant type: single nucleotide variant.
Coding change: c.3490G>A on transcript NM_205836.3 (MANE Select); coding-DNA position 3490, G replaced by A.
Protein change: p.Val1164Ile; replaces valine 1164 with isoleucine.
Molecular consequence: missense variant.
Genome position (GRCh38, 1-based): chr5:148,442,070, G>A. VCF-style: chr5-148442070-G-A. GRCh37 (hg19) VCF-style: chr5-147821633-G-A.
Other names: c.2755G>A, p.Val919Ile (NM_001271723.2); c.3265G>A, p.Val1089Ile (NM_030793.5); short protein forms V919I, V1164I, V1089I.
Identifiers: ClinVar variation 940227 (VCV000940227.11), dbSNP rs902315086, ClinGen allele CA128957227.

ClinVar aggregate classification (germline): Uncertain significance (1 of 4 stars; one submission).

Conditions:
Distal hereditary motor neuropathy type 2. Identifiers: Orphanet 139525, MedGen C3711384, MeSH C580044, MONDO:0015352.

Allele frequency attached by ClinVar (database versions not stated): gnomAD exomes below 0.00001; gnomAD 0.00005; TOPMed 0.00006.
gnomAD v4.1: 13 of 1,614,004 alleles (0.00081%); highest among the groups gnomAD compares: African/African-American, 0.016%; no homozygotes.

Submission:

Labcorp Genetics (formerly Invitae), Labcorp
Classification: Uncertain significance for Distal hereditary motor neuropathy type 2. Last evaluated: 2019-08-22. Review status: criteria provided, single submitter. Criteria: Invitae Variant Classification Sherloc (09022015). Collection method: clinical testing. Allele origin: germline.
Comment: This variant is not present in population databases (ExAC no frequency). This sequence change replaces valine with isoleucine at codon 1089 of the FBXO38 protein (p.Val1089Ile). The valine residue is highly conserved and there is a small physicochemical difference between valine and isoleucine. This variant has not been reported in the literature in individuals with FBXO38-related conditions. Algorithms developed to predict the effect of missense changes on protein structure and function are either unavailable or do not agree on the potential impact of this missense change (SIFT: "Tolerated"; PolyPhen-2: "Possibly Damaging"; Align-GVGD: "Class C0"). In summary, the available evidence is currently insufficient to determine the role of this variant in disease. Therefore, it has been classified as a Variant of Uncertain Significance.